The following is an entry in ClinVar:

ClinVar aggregate classification (germline): Likely pathogenic (1 of 4 stars; one submission).

Conditions:
TMEM94-related disorder. Also called: TMEM94-related condition.

Submission:

PreventionGenetics, part of Exact Sciences
Classification: Likely pathogenic for TMEM94-related condition. Last evaluated: 2026-03-25. Review status: criteria provided, single submitter. Criteria: ACMG Guidelines, 2015. Collection method: clinical testing. Allele origin: germline.
Comment: The TMEM94 c.2129dupT variant is predicted to result in a frameshift and premature protein termination (p.Leu710Phefs*12). To our knowledge, this variant has not been reported in the literature or in a large population database (gnomAD), indicating this variant is rare. Frameshift variants in TMEM94 are expected to be pathogenic. This variant is interpreted as likely pathogenic.

NM_014738.6(TMEM94):c.2129dup (p.Leu710fs)

Gene: TMEM94 (transmembrane protein 94; plus strand). Cytogenetic location: 17q25.1.
Variant type: Duplication.
Coding change: c.2129dup on transcript NM_014738.6 (MANE Select); coding-DNA position 2129, one base duplicated (T; older notation c.2129dupT).
Protein change: p.Leu710fs; shifts the reading frame from leucine 710.
Molecular consequence: frameshift variant.
Genome position (GRCh38, 1-based): chr17:75,493,533, T duplicated; the last of 2 consecutive T bases (chr17:75,493,532-75,493,533); duplicating either gives the same sequence. VCF-style (leftmost placement, unchanged base first): chr17-75493531-C-CT. GRCh37 (hg19) VCF-style: chr17-73489612-C-CT.
Other names: c.2159dup, p.Leu720fs (NM_001321148.2, NM_001351203.2, NM_001438844.1); c.2141dup, p.Leu714fs (NM_001321149.2, NM_001438845.1); c.2081dup, p.Leu694fs (NM_001351202.2); c.2129dup, p.Leu710fs (NM_001438841.1, NM_001438847.1); c.2171dup, p.Leu724fs (NM_001438842.1, NM_001438843.1); c.2111dup, p.Leu704fs (NM_001438846.1); c.2123dup, p.Leu708fs (NM_001438848.1); short protein forms L704fs, L724fs, L708fs, L714fs, L694fs, L710fs, L720fs.
Identifiers: ClinVar variation 4994429 (VCV004994429.1).